The following is an entry in ClinVar:

ClinVar aggregate classification (germline): Uncertain significance. Review status: criteria provided, multiple submitters, no conflicts (2 of 4 stars). 2 submissions from 2 submitters: Uncertain significance (2). Last evaluated 2025-09-24.

Conditions:
Hyper-IgE recurrent infection syndrome 1, autosomal dominant. Also called: STAT3 Hyper IgE Syndrome; Hyper-IgE recurrent infection syndrome 1; Job's Syndrome; HYPER-IgE SYNDROME 1, AUTOSOMAL DOMINANT, WITH RECURRENT INFECTIONS; JOB SYNDROME. Identifiers: Orphanet 2314, MedGen C2936739, MONDO:0007818, OMIM 147060.
STAT3 gain of function. Identifiers: MedGen C4288261.

Submissions (2):

Genesolutions, Medical Genetics Institutes, Ho Chi Minh City, Vietnam
Classification: Uncertain significance for Hyper-IgE recurrent infection syndrome 1, autosomal dominant. Last evaluated: 2025-09-24. Review status: criteria provided, single submitter. Criteria: ACMG Guidelines, 2015. Collection method: clinical testing. Allele origin: germline. Affected: yes.

Labcorp Genetics (formerly Invitae), Labcorp
Classification: Uncertain significance for STAT3 gain of function; Hyper-IgE recurrent infection syndrome 1, autosomal dominant. Last evaluated: 2022-01-15. Review status: criteria provided, single submitter. Criteria: Invitae Variant Classification Sherloc (09022015). Collection method: clinical testing. Allele origin: germline.
Comment: This missense change has been observed in individuals with clinical features of hyper-IgE syndrome (PMID: 20159255; Invitae). This variant is not present in population databases (gnomAD no frequency). In summary, the available evidence is currently insufficient to determine the role of this variant in disease. Therefore, it has been classified as a Variant of Uncertain Significance. Algorithms developed to predict the effect of missense changes on protein structure and function are either unavailable or do not agree on the potential impact of this missense change (SIFT: "Deleterious"; PolyPhen-2: "Probably Damaging"; Align-GVGD: "Class C0"). This sequence change replaces histidine, which is basic and polar, with tyrosine, which is neutral and polar, at codon 58 of the STAT3 protein (p.His58Tyr).

Literature cited by the submitters: PubMed 20159255 (cited by Labcorp Genetics (formerly Invitae), Labcorp).

NM_139276.3(STAT3):c.172C>T (p.His58Tyr)

Gene: STAT3 (signal transducer and activator of transcription 3; minus strand). Cytogenetic location: 17q21.2.
Variant type: single nucleotide variant.
Coding change: c.172C>T on transcript NM_139276.3 (MANE Select); coding-DNA position 172, C replaced by T.
Protein change: p.His58Tyr; replaces histidine 58 with tyrosine.
Molecular consequence: missense variant.
Genome position (GRCh38, 1-based): chr17:42,346,670, G>A on the plus strand (C>T on the coding strand, the complement: STAT3 is on the minus strand). VCF-style: chr17-42346670-G-A. GRCh37 (hg19) VCF-style: chr17-40498688-G-A.
Other names: c.172C>T, p.His58Tyr (NM_001369512.1, NM_001369513.1, NM_001369514.1 and 17 more transcripts); short protein forms H58Y.
Identifiers: ClinVar variation 2138019 (VCV002138019.5), dbSNP rs2509529815, ClinGen allele CA399597089.